The following is an entry in ClinVar:

NM_001267550.2(TTN):c.77299dup (p.Tyr25767fs)

Genes: TTN (titin; minus strand), TTN-AS1 (TTN antisense RNA 1; plus strand). Cytogenetic location: 2q31.2.
Variant type: Duplication.
Coding change: c.77299dup on transcript NM_001267550.2 (MANE Select); coding-DNA position 77299, one base duplicated (T; older notation c.77299dupT).
Protein change: p.Tyr25767fs; shifts the reading frame from tyrosine 25767.
Molecular consequence: frameshift variant.
Genome position (GRCh38, 1-based): chr2:178,568,833, A duplicated on the plus strand (T on the coding strand, the reverse complement: TTN is on the minus strand). VCF-style (leftmost placement, unchanged base first): chr2-178568832-T-TA. GRCh37 (hg19) VCF-style: chr2-179433559-T-TA.
Other names: c.72376dup, p.Tyr24126fs (NM_001256850.1); c.50104dup, p.Tyr16702fs (NM_003319.4); c.69595dup, p.Tyr23199fs (NM_133378.4); c.50479dup, p.Tyr16827fs (NM_133432.3); c.50680dup, p.Tyr16894fs (NM_133437.4); short protein forms Y16827fs, Y16894fs, Y16702fs, Y23199fs, Y24126fs, Y25767fs.
Identifiers: ClinVar variation 2925331 (VCV002925331.3), dbSNP rs2468379949, ClinGen allele CA2586965267.

ClinVar aggregate classification (germline): Likely pathogenic (1 of 4 stars; one submission).

Conditions:
Dilated cardiomyopathy 1G (CMD1G). Identifiers: Orphanet 154, MedGen C1858763, MONDO:0011400, OMIM 604145.
Autosomal recessive limb-girdle muscular dystrophy type 2J (LGMDR10). Also called: Limb-girdle muscular dystrophy, type 2J; MUSCULAR DYSTROPHY, LIMB-GIRDLE, AUTOSOMAL RECESSIVE 10. Identifiers: Orphanet 140922, MedGen C1837342, MONDO:0012127, OMIM 608807.

Submission:

Labcorp Genetics (formerly Invitae), Labcorp
Classification: Likely pathogenic for Dilated cardiomyopathy 1G; Autosomal recessive limb-girdle muscular dystrophy type 2J. Last evaluated: 2025-04-23. Review status: criteria provided, single submitter. Criteria: Invitae Variant Classification Sherloc (09022015). Collection method: clinical testing. Allele origin: germline.
Comment: This sequence change creates a premature translational stop signal (p.Tyr25767Leufs*4) in the TTN gene. While this is not anticipated to result in nonsense mediated decay, it is expected to create a truncated TTN protein. This variant is not present in population databases (gnomAD no frequency). This premature translational stop signal has been observed in individual(s) with dilated cardiomyopathy (PMID: 28416588, 31514951, 36396199). ClinVar contains an entry for this variant (Variation ID: 2925331). This variant is located in the A band of TTN (PMID: 25589632). Truncating variants in this region are significantly overrepresented in patients affected with dilated cardiomyopathy (PMID: 25589632). Truncating variants in this region have also been reported in individuals affected with autosomal recessive centronuclear myopathy (PMID: 23975875). In summary, the currently available evidence indicates that the variant is pathogenic, but additional data are needed to prove that conclusively. Therefore, this variant has been classified as Likely Pathogenic.

Literature cited by the submitters: PubMed 28416588; PubMed 31514951; PubMed 36396199; PubMed 25589632; PubMed 23975875.